The following is an entry in ClinVar:

NM_206937.2(LIG4):c.2110T>C (p.Ser704Pro)

Gene: LIG4 (DNA ligase 4; minus strand). Cytogenetic location: 13q33.3.
Variant type: single nucleotide variant.
Coding change: c.2110T>C on transcript NM_206937.2 (MANE Select); coding-DNA position 2110, T replaced by C.
Protein change: p.Ser704Pro; replaces serine 704 with proline.
Molecular consequence: missense variant.
Genome position (GRCh38, 1-based): chr13:108,209,159, A>G on the plus strand (T>C on the coding strand, the complement: LIG4 is on the minus strand). VCF-style: chr13-108209159-A-G. GRCh37 (hg19) VCF-style: chr13-108861507-A-G.
Other names: c.2110T>C, p.Ser704Pro (NM_001098268.2, NM_001352598.2, NM_001352599.2 and 6 more transcripts); c.1909T>C, p.Ser637Pro (NM_001330595.2); c.2146T>C, p.Ser716Pro (NM_001352604.2); short protein forms S716P, S704P, S637P.
Identifiers: ClinVar variation 2012495 (VCV002012495.4), dbSNP rs778050176, ClinGen allele CA7043558.
Genomic context (GRCh38, chr13:108,209,159, plus strand): 5'-CAGGCTTGACAACATCATGTTTATTTGACAAAATTATGTTTTTCACTCTGATGTTCTCAG[A>G]CCCTGCAATTACACAGTACGTGTCTGGGCCTGGATTTTGTACTATATAACCACCAAATTC-3'
Protein context (NP_996820.1, residues 694-714): GPDTYCVIAG[Ser704Pro]ENIRVKNIIL

ClinVar aggregate classification (germline): Uncertain significance (1 of 4 stars; one submission).

Conditions:
DNA ligase IV deficiency. Identifiers: Orphanet 99812, MedGen C1847827, MONDO:0011686, OMIM 606593.

Allele frequency attached by ClinVar (database versions not stated): gnomAD exomes below 0.00001; ExAC 0.00001.
gnomAD v4.1: 1 of 1,614,146 alleles (0.000062%); no homozygotes.

Submission:

Labcorp Genetics (formerly Invitae), Labcorp
Classification: Uncertain significance for DNA ligase IV deficiency. Last evaluated: 2024-08-05. Review status: criteria provided, single submitter. Criteria: Invitae Variant Classification Sherloc (09022015). Collection method: clinical testing. Allele origin: germline.
Comment: This sequence change replaces serine, which is neutral and polar, with proline, which is neutral and non-polar, at codon 704 of the LIG4 protein (p.Ser704Pro). This variant is present in population databases (rs778050176, gnomAD no frequency). This variant has not been reported in the literature in individuals affected with LIG4-related conditions. ClinVar contains an entry for this variant (Variation ID: 2012495). Advanced modeling of protein sequence and biophysical properties (such as structural, functional, and spatial information, amino acid conservation, physicochemical variation, residue mobility, and thermodynamic stability) performed at Invitae indicates that this missense variant is not expected to disrupt LIG4 protein function with a negative predictive value of 80%. In summary, the available evidence is currently insufficient to determine the role of this variant in disease. Therefore, it has been classified as a Variant of Uncertain Significance.